The following is an entry in ClinVar:

ClinVar aggregate classification (germline): Likely benign. Review status: criteria provided, multiple submitters, no conflicts (2 of 4 stars). 3 submissions from 3 submitters: Likely benign (3). Last evaluated 2025-12-31.

Conditions:
Primary ciliary dyskinesia 30. Also called: CILIARY DYSKINESIA, PRIMARY, 30, WITH OR WITHOUT SITUS INVERSUS. Identifiers: Orphanet 244, MedGen C4015016, MONDO:0014465, OMIM 616037.

Allele frequency attached by ClinVar (database versions not stated): 1000 Genomes Project 30x 0.00016; 1000 Genomes Project 0.00020; ExAC 0.00035; gnomAD exomes 0.00039 and 0.00042; gnomAD 0.00044 and 0.00046; ESP Exome Variant Server 0.00057; TOPMed 0.00057.

Submissions (3):

Labcorp Genetics (formerly Invitae), Labcorp
Classification: Likely benign for Primary ciliary dyskinesia 30. Last evaluated: 2025-12-31. Review status: criteria provided, single submitter. Criteria: Invitae Variant Classification Sherloc (09022015). Collection method: clinical testing. Allele origin: germline.

Mayo Clinic Laboratories, Mayo Clinic
Classification: Likely benign. Last evaluated: 2025-11-08. Review status: criteria provided, single submitter. Criteria: ACMG Guidelines, 2015. Collection method: clinical testing. Allele origin: germline. Observed: 1 variant allele.
Comment: BP4, BP7

CeGaT Center for Human Genetics Tuebingen
Classification: Likely benign. Last evaluated: 2023-02-01. Review status: criteria provided, single submitter. Criteria: CeGaT Center For Human Genetics Tuebingen Variant Classification Criteria Version 2. Collection method: clinical testing. Allele origin: germline. Affected: yes. Observed: 1 variant allele.
Comment: ODAD3: BP4, BP7

NM_145045.5(ODAD3):c.216T>A (p.Ala72=)

Gene: ODAD3 (outer dynein arm docking complex subunit 3; minus strand). Cytogenetic location: 19p13.2.
Variant type: single nucleotide variant.
Coding change: c.216T>A on transcript NM_145045.5 (MANE Select); coding-DNA position 216, T replaced by A.
Protein change: p.Ala72=; no amino-acid change (alanine 72 retained).
Molecular consequence: synonymous variant. On other transcripts: intron variant (1).
Genome position (GRCh38, 1-based): chr19:11,434,801, A>T on the plus strand (T>A on the coding strand, the complement: ODAD3 is on the minus strand). VCF-style: chr19-11434801-A-T. GRCh37 (hg19) VCF-style: chr19-11545622-A-T.
Other names: p.Ala72=; c.216T>A, p.Ala72= (NM_001302454.2); c.82+889T>A (NM_001302453.1).
Identifiers: ClinVar variation 241944 (VCV000241944.35), dbSNP rs372211022, ClinGen allele CA9212543.